The following is an entry in ClinVar:

NM_006206.6(PDGFRA):c.2875A>G (p.Lys959Glu)

Gene: PDGFRA (platelet derived growth factor receptor alpha; plus strand). Cytogenetic location: 4q12.
Variant type: single nucleotide variant.
Coding change: c.2875A>G on transcript NM_006206.6 (MANE Select); coding-DNA position 2875, A replaced by G.
Protein change: p.Lys959Glu; replaces lysine 959 with glutamic acid.
Molecular consequence: missense variant.
Genome position (GRCh38, 1-based): chr4:54,289,109, A>G. VCF-style: chr4-54289109-A-G. GRCh37 (hg19) VCF-style: chr4-55155276-A-G.
Other names: c.2950A>G, p.Lys984Glu (NM_001347828.2); c.2875A>G, p.Lys959Glu (NM_001347829.2); c.2914A>G, p.Lys972Glu (NM_001347830.2); short protein forms K972E, K959E, K984E.
Identifiers: ClinVar variation 3930186 (VCV003930186.1).

ClinVar aggregate classification (germline): Uncertain significance (1 of 4 stars; one submission).

Conditions:
Hereditary cancer-predisposing syndrome. Also called: Tumor predisposition; Hereditary neoplastic syndrome; Hereditary Cancer Syndrome; Neoplastic Syndromes, Hereditary. Identifiers: Orphanet 140162, MedGen C0027672, MeSH D009386, MONDO:0015356.

Submission:

Ambry Genetics
Classification: Uncertain significance for Hereditary cancer-predisposing syndrome. Last evaluated: 2025-03-22. Review status: criteria provided, single submitter. Criteria: Ambry Variant Classification Scheme 2023. Collection method: clinical testing. Allele origin: germline.
Comment: The p.K959E variant (also known as c.2875A>G), located in coding exon 20 of the PDGFRA gene, results from an A to G substitution at nucleotide position 2875. The lysine at codon 959 is replaced by glutamic acid, an amino acid with similar properties. This amino acid position is conserved. In addition, this alteration is predicted to be deleterious by in silico analysis. Based on the available evidence, the clinical significance of this variant remains unclear.